The following is an entry in ClinVar:

NM_015450.3(POT1):c.1594+4A>G

Gene: POT1 (protection of telomeres 1; minus strand). Cytogenetic location: 7q31.33.
Variant type: single nucleotide variant.
Coding change: c.1594+4A>G on transcript NM_015450.3 (MANE Select); 4 bases into the intron after coding-DNA position 1594, A replaced by G.
Molecular consequence: intron variant.
Genome position (GRCh38, 1-based): chr7:124,829,250, T>C on the plus strand (A>G on the coding strand, the complement: POT1 is on the minus strand). VCF-style: chr7-124829250-T-C. GRCh37 (hg19) VCF-style: chr7-124469304-T-C.
Other names: c.1201+4A>G (NM_001042594.2).
Identifiers: ClinVar variation 1002293 (VCV001002293.7), dbSNP rs1197679328, ClinGen allele CA577287001.

ClinVar aggregate classification (germline): Uncertain significance (1 of 4 stars; one submission).

Conditions:
Tumor predisposition syndrome 3 (TPDS3). Also called: Glioma susceptibility 9; LONG TELOMERE SYNDROME, POT1-RELATED; POT1 Tumor Predisposition; Melanoma, cutaneous malignant, susceptibility to, 10. Identifiers: Orphanet 618, MedGen C4014476, MONDO:0014368, OMIM 615848.

Allele frequency attached by ClinVar (database versions not stated): gnomAD exomes below 0.00001; TOPMed below 0.00001.
gnomAD v4.1: 1 of 1,579,604 alleles (0.000063%); highest among the groups gnomAD compares: East Asian, 0.0022%; no homozygotes.

Submission:

Labcorp Genetics (formerly Invitae), Labcorp
Classification: Uncertain significance for Tumor predisposition syndrome 3. Last evaluated: 2020-10-24. Review status: criteria provided, single submitter. Criteria: Invitae Variant Classification Sherloc (09022015). Collection method: clinical testing. Allele origin: germline.
Comment: In summary, the available evidence is currently insufficient to determine the role of this variant in disease. Therefore, it has been classified as a Variant of Uncertain Significance. Nucleotide substitutions within the consensus splice site are a relatively common cause of aberrant splicing (PMID: 17576681, 9536098). Algorithms developed to predict the effect of sequence changes on RNA splicing suggest that this variant is not likely to affect RNA splicing, but this prediction has not been confirmed by published transcriptional studies. This variant has not been reported in the literature in individuals with POT1-related conditions. This variant is not present in population databases (ExAC no frequency). This sequence change falls in intron 16 of the POT1 gene. It does not directly change the encoded amino acid sequence of the POT1 protein. It affects a nucleotide within the consensus splice site of the intron.

Literature cited by the submitters: PubMed 17576681; PubMed 9536098.